The following is an entry in ClinVar:

ClinVar aggregate classification (germline): Uncertain significance. Review status: criteria provided, multiple submitters, no conflicts (2 of 4 stars). 2 submissions from 2 submitters: Uncertain significance (2). Last evaluated 2025-06-12.

Allele frequency attached by ClinVar (database versions not stated): gnomAD exomes below 0.00001 and 0.00001; ExAC 0.00001; TOPMed 0.00001.
gnomAD v4.1: 7 of 1,613,916 alleles (0.00043%); highest among the groups gnomAD compares: South Asian, 0.0011%; no homozygotes.

Submissions (2):

Labcorp Genetics (formerly Invitae), Labcorp
Classification: Uncertain significance. Last evaluated: 2025-06-12. Review status: criteria provided, single submitter. Criteria: Invitae Variant Classification Sherloc (09022015). Collection method: clinical testing. Allele origin: germline.
Comment: This sequence change replaces arginine, which is basic and polar, with histidine, which is basic and polar, at codon 603 of the ADCY5 protein (p.Arg603His). This variant is present in population databases (rs748727996, gnomAD 0.006%). This variant has not been reported in the literature in individuals affected with ADCY5-related conditions. ClinVar contains an entry for this variant (Variation ID: 1310100). An algorithm developed to predict the effect of missense changes on protein structure and function (PolyPhen-2) suggests that this variant is likely to be disruptive. In summary, the available evidence is currently insufficient to determine the role of this variant in disease. Therefore, it has been classified as a Variant of Uncertain Significance.

GeneDx
Classification: Uncertain significance. Last evaluated: 2019-12-11. Review status: criteria provided, single submitter. Criteria: GeneDx Variant Classification Process June 2021. Collection method: clinical testing. Allele origin: germline. Affected: yes.
Comment: Not observed at a significant frequency in large population cohorts (Lek et al., 2016); In silico analysis, which includes protein predictors and evolutionary conservation, supports a deleterious effect; Has not been previously published as pathogenic or benign to our knowledge

NM_183357.3(ADCY5):c.1808G>A (p.Arg603His)

Gene: ADCY5 (adenylate cyclase 5; minus strand). Cytogenetic location: 3q21.1.
Variant type: single nucleotide variant.
Coding change: c.1808G>A on transcript NM_183357.3 (MANE Select); coding-DNA position 1808, G replaced by A.
Protein change: p.Arg603His; replaces arginine 603 with histidine.
Molecular consequence: missense variant.
Genome position (GRCh38, 1-based): chr3:123,327,757, C>T on the plus strand (G>A on the coding strand, the complement: ADCY5 is on the minus strand). VCF-style: chr3-123327757-C-T. GRCh37 (hg19) VCF-style: chr3-123046604-C-T.
Other names: c.758G>A, p.Arg253His (NM_001199642.1); c.1808G>A, p.Arg603His (NM_001378259.1); short protein forms R253H, R603H.
Identifiers: ClinVar variation 1310100 (VCV001310100.6), dbSNP rs748727996, ClinGen allele CA2577352.